The following is an entry in ClinVar:

ClinVar aggregate classification (germline): Pathogenic (1 of 4 stars; one submission).

Conditions:
Atypical hemolytic-uremic syndrome. Identifiers: Orphanet 2134, MedGen C2931788, MONDO:0016244.

Submission:

Genomenon, Inc
Classification: Pathogenic for Atypical hemolytic-uremic syndrome. Last evaluated: 2025-09-26. Review status: criteria provided, single submitter. Criteria: Genomenon Sequence Variant Interpretation Standards - Updated. Collection method: curation. Allele origin: germline. Affected: yes.
Comment: CFB p.Lys350Asn (c.1050G>C) is a missense variant that changes the amino acid at residue 350 from Lysine to Asparagine. This variant has been observed in at least one proband affected with atypical hemolytic-uremic syndrome (PMID:19584399;24906628). The variant was found to segregate with disease in at least one affected family (PMID:24906628). A de novo occurrence of this variant has been observed in at least one affected individual (PMID:19584399). At least one functional study has demonstrated a substantial alteration in protein function relative to the wild-type (PMID:19584399;24652797). It is absent or not present at a significant frequency in gnomAD. In conclusion, we classify CFB p.Lys350Asn (c.1050G>C) as a pathogenic variant.

Literature cited by the submitters: PubMed 19584399; 24906628.

NM_001710.6(CFB):c.1050G>C (p.Lys350Asn)

Gene: CFB (complement factor B; plus strand). Cytogenetic location: 6p21.33.
Variant type: single nucleotide variant.
Coding change: c.1050G>C on transcript NM_001710.6 (MANE Select); coding-DNA position 1050, G replaced by C.
Protein change: p.Lys350Asn; replaces lysine 350 with asparagine.
Molecular consequence: missense variant.
Genome position (GRCh38, 1-based): chr6:31,948,843, G>C. VCF-style: chr6-31948843-G-C. GRCh37 (hg19) VCF-style: chr6-31916620-G-C.
Other names: short protein forms K350N.
Identifiers: ClinVar variation 4280404 (VCV004280404.1).